The following is an entry in ClinVar:

ClinVar aggregate classification (germline): Pathogenic/Likely pathogenic. Review status: criteria provided, multiple submitters, no conflicts (2 of 4 stars). 2 submissions from 2 submitters: Pathogenic (1); Likely pathogenic (1). Last evaluated 2025-09-27.

Conditions:
BTD-related disorder. Also called: BTD-related condition.
Biotinidase deficiency. Also called: Biotin deficiency; BTD deficiency; Late-onset biotin-responsive multiple carboxylase deficiency. Identifiers: Orphanet 79241, MedGen C0220754, MONDO:0009665, OMIM 253260.

Submissions (2):

PreventionGenetics, part of Exact Sciences
Classification: Likely pathogenic for BTD-related condition. Last evaluated: 2025-09-27. Review status: criteria provided, single submitter. Criteria: ACMG Guidelines, 2015. Collection method: clinical testing. Allele origin: germline.
Comment: The BTD c.1190_1215dup26 variant is predicted to result in a frameshift and premature protein termination (p.Val406Argfs*2). While this variant is present in the last exon of the BTD gene and therefore is not predicted to cause nonsense mediated decay of the transcript, nonsense and frameshift variants in this region and further downstream are an established mechanism of disease (for example, Funghini et al. 2020. PubMed ID: 33312878; Procter et al. 2016. PubMed ID: 26810761; described as c.1563del, p.(Arg522Glyfs*10) in Table S2, Sharma et al. 2024. PubMed ID: 38299772). This variant has not been reported in a large population database (gnomAD), indicating this variant is rare. Frameshift variants in BTD are expected to be pathogenic. This variant is interpreted as likely pathogenic.

Labcorp Genetics (formerly Invitae), Labcorp
Classification: Pathogenic for Biotinidase deficiency. Last evaluated: 2025-01-27. Review status: criteria provided, single submitter. Criteria: Invitae Variant Classification Sherloc (09022015). Collection method: clinical testing. Allele origin: germline.
Comment: This sequence change creates a premature translational stop signal (p.Val406Argfs*2) in the BTD gene. While this is not anticipated to result in nonsense mediated decay, it is expected to disrupt the last 138 amino acid(s) of the BTD protein. This variant is not present in population databases (gnomAD no frequency). This variant has not been reported in the literature in individuals affected with BTD-related conditions. ClinVar contains an entry for this variant (Variation ID: 2122286). This variant disrupts a region of the BTD protein in which other variant(s) (p.Asp543Glu) have been determined to be pathogenic (PMID: 25174816, 25967232, 28498829). This suggests that this is a clinically significant region of the protein, and that variants that disrupt it are likely to be disease-causing. For these reasons, this variant has been classified as Pathogenic.

Literature cited by the submitters: PubMed 25174816 (cited by Labcorp Genetics (formerly Invitae), Labcorp); PubMed 25967232 (cited by Labcorp Genetics (formerly Invitae), Labcorp); PubMed 28498829 (cited by Labcorp Genetics (formerly Invitae), Labcorp).

NM_001370658.1(BTD):c.1130_1155dup (p.Val386delinsArgTer)

Gene: BTD (biotinidase; plus strand). Cytogenetic location: 3p25.1.
Variant type: Duplication.
Coding change: c.1130_1155dup on transcript NM_001370658.1 (MANE Select); coding-DNA positions 1130 to 1155, 26 bases duplicated (AGATGATGTATGACAATTTCACCCTG).
Protein change: p.Val386delinsArgTer.
Molecular consequence: nonsense. On other transcripts: frameshift variant (19), intron variant (2).
Genome position (GRCh38, 1-based): chr3:15,645,046-15,645,071, AGATGATGTATGACAATTTCACCCTG duplicated; duplicating any 26 consecutive bases within chr3:15,645,043-15,645,071 gives the same sequence; the c. name uses the placement nearest the transcript's 3' end. VCF-style (leftmost placement, unchanged base first): chr3-15645042-T-TCTGAGATGATGTATGACAATTTCACC. GRCh37 (hg19) VCF-style: chr3-15686549-T-TCTGAGATGATGTATGACAATTTCACC.
Other names: c.1190_1215dup, p.Val406Argfs (NM_000060.4); c.1130_1155dup, p.Val386Argfs (NM_001281723.4, NM_001281725.3, NM_001323582.2 and 15 more transcripts); c.1130_1155dup, p.Val386delinsArgTer (NM_001281724.3); c.1015+115_1015+140dup (NM_001370752.1); c.399+2989_399+3014dup (NM_001370753.1); c.1190_1215dup26 (NM_000060.4).
Identifiers: ClinVar variation 2122286 (VCV002122286.5), dbSNP rs2471518172, ClinGen allele CA2580068530.